The following is an entry in ClinVar:

NM_002506.3(NGF):c.402G>A (p.Ser134=)

Genes: NGF (nerve growth factor; minus strand), NGF-AS1 (NGF antisense RNA 1; plus strand). Cytogenetic location: 1p13.2.
Variant type: single nucleotide variant.
Coding change: c.402G>A on transcript NM_002506.3 (MANE Select); coding-DNA position 402, G replaced by A.
Protein change: p.Ser134=; no amino-acid change (serine 134 retained).
Molecular consequence: synonymous variant.
Genome position (GRCh38, 1-based): chr1:115,286,394, C>T on the plus strand (G>A on the coding strand, the complement: NGF is on the minus strand). VCF-style: chr1-115286394-C-T. GRCh37 (hg19) VCF-style: chr1-115829015-C-T.
Identifiers: ClinVar variation 705935 (VCV000705935.11), dbSNP rs565841831, ClinGen allele CA1022980.

ClinVar aggregate classification (germline): Likely benign. Review status: criteria provided, multiple submitters, no conflicts (2 of 4 stars). 2 submissions from 2 submitters: Likely benign (2). Last evaluated 2025-08-05.

Conditions:
NGF-related disorder. Also called: NGF-related condition.
Congenital sensory neuropathy with selective loss of small myelinated fibers (HSAN5). Also called: HSAN Type V. Identifiers: Orphanet 64752, MedGen C0020075, MONDO:0012092, OMIM 608654.

Allele frequency attached by ClinVar (database versions not stated): TOPMed 0.00005; 1000 Genomes Project 30x 0.00016; 1000 Genomes Project 0.00020; gnomAD 0.00003; ExAC 0.00005; gnomAD exomes 0.00005.
gnomAD v4.1: 59 of 1,613,890 alleles (0.0037%); highest among the groups gnomAD compares: South Asian, 0.021%; 2 homozygotes.

Submissions (2):

PreventionGenetics, part of Exact Sciences
Classification: Likely benign for NGF-related condition. Last evaluated: 2025-08-05. Review status: criteria provided, single submitter. Criteria: ACMG Guidelines, 2015. Collection method: clinical testing. Allele origin: germline.
Comment: This variant is classified as likely benign based on ACMG/AMP sequence variant interpretation guidelines (Richards et al. 2015 PMID: 25741868, with internal and published modifications).

Labcorp Genetics (formerly Invitae), Labcorp
Classification: Likely benign for Congenital sensory neuropathy with selective loss of small myelinated fibers. Last evaluated: 2025-05-04. Review status: criteria provided, single submitter. Criteria: Invitae Variant Classification Sherloc (09022015). Collection method: clinical testing. Allele origin: germline.